The following is an entry in ClinVar:

ClinVar aggregate classification (germline): Pathogenic/Likely pathogenic. Review status: criteria provided, multiple submitters, no conflicts (2 of 4 stars). 15 submissions from 15 submitters: Pathogenic (11); Likely pathogenic (3). 1 of the submissions does not count toward it. Last evaluated 2025-11-28.

Conditions:
TMEM240-related disorder. Also called: TMEM240-related condition.
Spinocerebellar ataxia type 21 (SCA21). Identifiers: Orphanet 98773, MedGen C1843891, MONDO:0011833, OMIM 607454.

Allele frequency attached by ClinVar (database versions not stated): gnomAD exomes below 0.00001.
gnomAD v4.1: 1 of 1,549,528 alleles (0.000065%); highest among the groups gnomAD compares: Non-Finnish European, 0.000087%; no homozygotes.

Submissions (15):

Variantyx, Inc.
Classification: Pathogenic for Spinocerebellar ataxia type 21. Last evaluated: 2025-11-28. Review status: criteria provided, single submitter. Criteria: Variantyx Assertion Criteria 2022. Collection method: clinical testing. Allele origin: germline. Inheritance: Autosomal dominant inheritance. Affected: yes.
Comment: This is a nonsynonymous variant in the TMEM240 gene (OMIM: 616101). Pathogenic variants in this gene have been associated with autosomal dominant spinocerebellar ataxia 21. This variant likely occurred de novo in an individual reported in the published literature however, the possibility of parental germline mosaicism cannot be excluded (PMID: 30522958) (PS2). This variant has been reported in several unrelated affected individuals (PMID: 25070513, 33851480) (PS4) amd it has been observed to segregate with disease in at least 17 individuals from 3 families (PMID: 25070513) (PP1). This variant has a 0.0003% maximum allele frequency in non-founder control populations (PM2). Computational algorithms produce conflicting evidence regarding the predicted functional impact of this variant (REVEL score: 0.639). Based on the current evidence, this variant is classified as pathogenic for autosomal dominant spinocerebellar ataxia 21.

Greenwood Genetic Center Diagnostic Laboratories, Greenwood Genetic Center
Classification: Pathogenic for Spinocerebellar ataxia type 21. Last evaluated: 2024-01-12. Review status: criteria provided, single submitter. Criteria: ACMG Guidelines, 2015. Collection method: clinical testing. Allele origin: germline. Affected: yes.
Comment: PS2_VS, PS4, PM2

CeGaT Center for Human Genetics Tuebingen
Classification: Pathogenic. Last evaluated: 2023-10-01. Review status: criteria provided, single submitter. Criteria: CeGaT Center For Human Genetics Tuebingen Variant Classification Criteria Version 2. Collection method: clinical testing. Allele origin: germline. Affected: yes. Observed: 5 variant alleles.
Comment: TMEM240: PS2:Very Strong, PM2

Neurometabolic Diseases Laboratory, Bellvitge Biomedical Research Institute (IDIBELL)
Classification: Pathogenic for Spinocerebellar ataxia type 21. Last evaluated: 2023-04-27. Review status: criteria provided, single submitter. Criteria: ACMG Guidelines, 2015. Collection method: research. Allele origin: germline. Affected: yes.

GeneDx
Classification: Pathogenic. Last evaluated: 2023-03-09. Review status: criteria provided, single submitter. Criteria: GeneDx Variant Classification Process June 2021. Collection method: clinical testing. Allele origin: germline. Affected: yes.
Comment: In silico analysis, which includes protein predictors and evolutionary conservation, supports a deleterious effect; Not observed at significant frequency in large population cohorts (gnomAD); This variant is associated with the following publications: (PMID: 30522958, 30184469, 32816195, 25070513, 29687291, 26813285, 29915382, 31692161, 33669240, 33726816, 35872528, 34445196)

Genetics and Molecular Pathology, SA Pathology
Classification: Pathogenic for Spinocerebellar ataxia type 21. Last evaluated: 2022-07-05. Review status: criteria provided, single submitter. Criteria: ACMG Guidelines, 2015. Collection method: clinical testing. Allele origin: germline. Inheritance: Autosomal dominant inheritance. Affected: yes.
Comment: Based on the classification scheme VCGS_Germline_v1.3.4, this variant is classified as Pathogenic. Following criteria are met: Variant is predicted to result in a missense amino acid change from proline to leucine. The mechanism of disease for this gene is not clearly established. However, gain of function is likely (PMID: 25070513). This gene is associated with autosomal dominant disease. Variant is absent from gnomAD (both v2 and v3). (SP) An alternative amino acid change at the same position has been observed in gnomAD (v3) (1 heterozygote, 0 homozygotes). Missense variant with conflicting in silico predictions and high conservation. This variant has strong previous evidence of pathogenicity in unrelated individuals. It has been reported as a recurrent variant in multiple unrelated individuals with spinocerebellar ataxia (PMIDs: 25070513, 33851480). It has also been reported as likely pathogenic/pathogenic in ClinVar. (SP) This variant has strong evidence for segregation with disease. It has been reported to segregate with disease in many affected individuals across three generations in two unrelated families (PMID: 25070513). (SP)

Victorian Clinical Genetics Services, Murdoch Childrens Research Institute
Classification: Pathogenic for Spinocerebellar ataxia type 21. Last evaluated: 2022-03-31. Review status: criteria provided, single submitter. Criteria: ACMG Guidelines, 2015. Collection method: clinical testing. Allele origin: germline. Inheritance: Autosomal dominant inheritance. Affected: yes.
Comment: Based on the classification scheme VCGS_Germline_v1.3.4, this variant is classified as Pathogenic. Following criteria are met: 0105 - The mechanism of disease for this gene is not clearly established. However, gain of function is likely (PMID: 25070513). (I) 0107 - This gene is associated with autosomal dominant disease. (I) 0200 - Variant is predicted to result in a missense amino acid change from proline to leucine. (I) 0251 - This variant is heterozygous. (I) 0301 - Variant is absent from gnomAD (both v2 and v3). (SP) 0309 - An alternative amino acid change at the same position has been observed in gnomAD (v3) (1 heterozygote, 0 homozygotes). (I) 0502 - Missense variant with conflicting in silico predictions and high conservation. (I) 0604 - Variant is not located in an established domain, motif, hotspot or informative constraint region. (I) 0801 - This variant has strong previous evidence of pathogenicity in unrelated individuals. It has been reported as a recurrent variant in multiple unrelated individuals with spinocerebellar ataxia (PMIDs: 25070513, 33851480). It has also been reported as likely pathogenic/pathogenic in ClinVar. (SP) 0901 - This variant has strong evidence for segregation with disease. It has been reported to segregate with disease in many affected individuals across three generations in two unrelated families (PMID: 25070513). (SP) 1208 - Inheritance information for this variant is not currently available in this individual. (I) Legend: (SP) - Supporting pathogenic, (I) - Information, (SB) - Supporting benign

Blueprint Genetics
Classification: Pathogenic for TMEM240-related disorders. Last evaluated: 2021-08-10. Review status: criteria provided, single submitter. Criteria: ACMG Guidelines, 2015. Collection method: clinical testing. Allele origin: germline. Affected: yes. Observed: 2 variant alleles.

Institute of Human Genetics Munich, TUM University Hospital
Classification: Pathogenic for Spinocerebellar ataxia type 21. Last evaluated: 2021-05-31. Review status: criteria provided, single submitter. Criteria: Classification criteria August 2017. Collection method: clinical testing. Allele origin: germline. Inheritance: Autosomal dominant inheritance. Affected: yes. Observed: 1 variant allele.

Molecular Medicine for Neurodegenerative and Neuromuscular Diseases Unit, IRCCS Fondazione Stella Maris
Classification: Pathogenic for Spinocerebellar ataxia type 21. Last evaluated: 2021-01-04. Review status: criteria provided, single submitter. Criteria: ACMG Guidelines, 2015. Collection method: research. Allele origin: unknown. Affected: yes.

Institute of Medical Genetics and Applied Genomics, University Hospital Tübingen
Classification: Likely pathogenic. Last evaluated: 2020-10-23. Review status: criteria provided, single submitter. Criteria: ACMG Guidelines, 2015. Collection method: clinical testing. Allele origin: germline. Inheritance: Autosomal dominant inheritance. Affected: yes.

Clinical Genetics and Genomics, Karolinska University Hospital
Classification: Likely pathogenic. Last evaluated: 2018-03-28. Review status: criteria provided, single submitter. Criteria: ACMG Guidelines, 2015. Collection method: clinical testing. Allele origin: germline. Affected: yes. Observed: 1 variant allele.

Genetic Services Laboratory, University of Chicago
Classification: Likely pathogenic for Spinocerebellar ataxia 21. Last evaluated: 2017-06-08. Review status: criteria provided, single submitter. Criteria: ACMG Guidelines, 2015. Collection method: clinical testing. Allele origin: germline. Affected: yes.

Institute for Medical Genetics and Human Genetics, Charité - Universitätsmedizin Berlin
Classification: Pathogenic for Spinocerebellar ataxia type 21. Review status: criteria provided, single submitter. Criteria: ACMG Guidelines, 2015. Collection method: not provided. Allele origin: germline. Inheritance: Autosomal dominant inheritance. Affected: yes.

OMIM
Classification: Pathogenic for SPINOCEREBELLAR ATAXIA 21. Last evaluated: 2014-10-01. Review status: no assertion criteria provided. Collection method: literature only. Allele origin: germline. Not counted in ClinVar's aggregate classification.

Literature cited by the submitters: PubMed 25070513 (cited by 4 submitters); PubMed 33851480 (cited by Variantyx, Inc. and Victorian Clinical Genetics Services, Murdoch Childrens Research Institute); PubMed 30522958 (cited by Variantyx, Inc.); PubMed 11160961 (cited by OMIM).

NM_001114748.2(TMEM240):c.509C>T (p.Pro170Leu)

Gene: TMEM240 (transmembrane protein 240; minus strand). Cytogenetic location: 1p36.33.
Variant type: single nucleotide variant.
Coding change: c.509C>T on transcript NM_001114748.2 (MANE Select); coding-DNA position 509, C replaced by T.
Protein change: p.Pro170Leu; replaces proline 170 with leucine.
Molecular consequence: missense variant.
Genome position (GRCh38, 1-based): chr1:1,535,372, G>A on the plus strand (C>T on the coding strand, the complement: TMEM240 is on the minus strand). VCF-style: chr1-1535372-G-A. GRCh37 (hg19) VCF-style: chr1-1470752-G-A.
Other names: short protein forms P170L.
Identifiers: ClinVar variation 161192 (VCV000161192.88), dbSNP rs606231451, ClinGen allele CA272844.